The following is an entry in ClinVar:

NM_004614.5(TK2):c.83G>T (p.Gly28Val)

Genes: TK2 (thymidine kinase 2; minus strand), LOC130059156 (ATAC-STARR-seq lymphoblastoid silent region 7560; plus strand). Cytogenetic location: 16q21.
Variant type: single nucleotide variant.
Coding change: c.83G>T on transcript NM_004614.5 (MANE Select); coding-DNA position 83, G replaced by T.
Protein change: p.Gly28Val; replaces glycine 28 with valine.
Molecular consequence: missense variant. On other transcripts: 5 prime UTR variant (2), non-coding transcript variant (1), intron variant (2).
Genome position (GRCh38, 1-based): chr16:66,549,979, C>A on the plus strand (G>T on the coding strand, the complement: TK2 is on the minus strand). VCF-style: chr16-66549979-C-A. GRCh37 (hg19) VCF-style: chr16-66583882-C-A.
Other names: c.83G>T, p.Gly28Val (NM_001172644.2, NM_001172645.2); c.-160G>T (NM_001271934.2); c.-570G>T (NM_001272050.2); c.31+274G>T (NM_001271935.1, NM_001172643.1); short protein forms G28V.
Identifiers: ClinVar variation 1905007 (VCV001905007.5), dbSNP rs1175537448, ClinGen allele CA396193604.

ClinVar aggregate classification (germline): Uncertain significance (1 of 4 stars; one submission).

Allele frequency attached by ClinVar (database versions not stated): gnomAD 0.00001.

Submission:

Labcorp Genetics (formerly Invitae), Labcorp
Classification: Uncertain significance. Last evaluated: 2021-12-24. Review status: criteria provided, single submitter. Criteria: Invitae Variant Classification Sherloc (09022015). Collection method: clinical testing. Allele origin: germline.
Comment: This sequence change replaces glycine, which is neutral and non-polar, with valine, which is neutral and non-polar, at codon 28 of the TK2 protein (p.Gly28Val). The frequency data for this variant in the population databases is considered unreliable, as metrics indicate poor data quality at this position in the gnomAD database. This variant has not been reported in the literature in individuals affected with TK2-related conditions. Advanced modeling of protein sequence and biophysical properties (such as structural, functional, and spatial information, amino acid conservation, physicochemical variation, residue mobility, and thermodynamic stability) performed at Invitae indicates that this missense variant is not expected to disrupt TK2 protein function. In summary, the available evidence is currently insufficient to determine the role of this variant in disease. Therefore, it has been classified as a Variant of Uncertain Significance.